The following is an entry in ClinVar:

ClinVar aggregate classification (germline): Conflicting classifications of pathogenicity. Review status: criteria provided, conflicting classifications (1 of 4 stars). 3 submissions from 3 submitters: Uncertain significance (2); Likely benign (1). Last evaluated 2026-01-19.

Conditions:
Hereditary cancer-predisposing syndrome. Also called: Neoplastic Syndromes, Hereditary; Tumor predisposition; Hereditary neoplastic syndrome; Hereditary Cancer Syndrome. Identifiers: Orphanet 140162, MedGen C0027672, MeSH D009386, MONDO:0015356.

Allele frequency attached by ClinVar (database versions not stated): gnomAD 0.00001; TOPMed 0.00001; ExAC 0.00002; gnomAD exomes 0.00002 and 0.00003.
gnomAD v4.1: 37 of 1,613,728 alleles (0.0023%); highest among the groups gnomAD compares: East Asian, 0.0045%; no homozygotes.

Submissions (3):

Labcorp Genetics (formerly Invitae), Labcorp
Classification: Uncertain significance. Last evaluated: 2026-01-19. Review status: criteria provided, single submitter. Criteria: Invitae Variant Classification Sherloc (09022015). Collection method: clinical testing. Allele origin: germline.
Comment: This sequence change replaces proline, which is neutral and non-polar, with leucine, which is neutral and non-polar, at codon 1779 of the POLE protein (p.Pro1779Leu). This variant is present in population databases (rs766086682, gnomAD 0.01%). This variant has not been reported in the literature in individuals affected with POLE-related conditions. ClinVar contains an entry for this variant (Variation ID: 579865). Invitae Evidence Modeling of protein sequence and biophysical properties (such as structural, functional, and spatial information, amino acid conservation, physicochemical variation, residue mobility, and thermodynamic stability) indicates that this missense variant is not expected to disrupt POLE protein function with a negative predictive value of 80%. In summary, the available evidence is currently insufficient to determine the role of this variant in disease. Therefore, it has been classified as a Variant of Uncertain Significance.

Ambry Genetics
Classification: Likely benign for Hereditary cancer-predisposing syndrome. Last evaluated: 2025-01-10. Review status: criteria provided, single submitter. Criteria: Ambry Variant Classification Scheme 2023. Collection method: clinical testing. Allele origin: germline.

GeneDx
Classification: Uncertain significance. Last evaluated: 2023-11-21. Review status: criteria provided, single submitter. Criteria: GeneDx Variant Classification Process June 2021. Collection method: clinical testing. Allele origin: germline. Affected: yes.
Comment: In silico analysis supports that this missense variant does not alter protein structure/function; Has not been previously published as pathogenic or benign to our knowledge; This variant is associated with the following publications: (PMID: 29572003, 28427513)

NM_006231.4(POLE):c.5336C>T (p.Pro1779Leu)

Gene: POLE (DNA polymerase epsilon, catalytic subunit; minus strand). Cytogenetic location: 12q24.33.
Variant type: single nucleotide variant.
Coding change: c.5336C>T on transcript NM_006231.4 (MANE Select); coding-DNA position 5336, C replaced by T.
Protein change: p.Pro1779Leu; replaces proline 1779 with leucine.
Molecular consequence: missense variant.
Genome position (GRCh38, 1-based): chr12:132,641,689, G>A on the plus strand (C>T on the coding strand, the complement: POLE is on the minus strand). VCF-style: chr12-132641689-G-A. GRCh37 (hg19) VCF-style: chr12-133218275-G-A.
Other names: short protein forms P1779L.
Identifiers: ClinVar variation 579865 (VCV000579865.14), dbSNP rs766086682, ClinGen allele CA6892565.